The following is an entry in ClinVar:

NM_000057.4(BLM):c.1456C>G (p.Leu486Val)

Gene: BLM (BLM RecQ like helicase; plus strand). Cytogenetic location: 15q26.1.
Variant type: single nucleotide variant.
Coding change: c.1456C>G on transcript NM_000057.4 (MANE Select); coding-DNA position 1456, C replaced by G.
Protein change: p.Leu486Val; replaces leucine 486 with valine.
Molecular consequence: missense variant.
Genome position (GRCh38, 1-based): chr15:90,760,829, C>G. VCF-style: chr15-90760829-C-G. GRCh37 (hg19) VCF-style: chr15-91304059-C-G.
Other names: c.1456C>G, p.Leu486Val (NM_001287246.2, NM_001287247.2); c.331C>G, p.Leu111Val (NM_001287248.2); short protein forms L486V, L111V.
Identifiers: ClinVar variation 1773059 (VCV001773059.3), dbSNP rs1895958443, ClinGen allele CA393843098.

ClinVar aggregate classification (germline): Uncertain significance (1 of 4 stars; one submission).

Conditions:
Hereditary cancer-predisposing syndrome. Also called: Hereditary Cancer Syndrome; Hereditary neoplastic syndrome; Neoplastic Syndromes, Hereditary; Tumor predisposition. Identifiers: Orphanet 140162, MedGen C0027672, MeSH D009386, MONDO:0015356.

Allele frequency attached by ClinVar (database versions not stated): gnomAD exomes below 0.00001; TOPMed 0.00001.
gnomAD v4.1: 1 of 1,614,024 alleles (0.000062%); highest among the groups gnomAD compares: Non-Finnish European, 0.000085%; no homozygotes.

Submission:

Ambry Genetics
Classification: Uncertain significance for Hereditary cancer-predisposing syndrome. Last evaluated: 2024-12-20. Review status: criteria provided, single submitter. Criteria: Ambry Variant Classification Scheme 2023. Collection method: clinical testing. Allele origin: germline.
Comment: The p.L486V variant (also known as c.1456C>G), located in coding exon 6 of the BLM gene, results from a C to G substitution at nucleotide position 1456. The leucine at codon 486 is replaced by valine, an amino acid with highly similar properties. This amino acid position is conserved. In addition, this alteration is predicted to be tolerated by in silico analysis. Since supporting evidence is limited at this time, the clinical significance of this alteration remains unclear.